The following is an entry in ClinVar:

ClinVar aggregate classification (germline): Uncertain significance (1 of 4 stars; one submission).

Submission:

Labcorp Genetics (formerly Invitae), Labcorp
Classification: Uncertain significance. Last evaluated: 2024-09-06. Review status: criteria provided, single submitter. Criteria: Invitae Variant Classification Sherloc (09022015). Collection method: clinical testing. Allele origin: germline.
Comment: This sequence change replaces valine, which is neutral and non-polar, with alanine, which is neutral and non-polar, at codon 430 of the MAGEL2 protein (p.Val430Ala). This variant is not present in population databases (gnomAD no frequency). This variant has not been reported in the literature in individuals affected with MAGEL2-related conditions. ClinVar contains an entry for this variant (Variation ID: 1922197). An algorithm developed to predict the effect of missense changes on protein structure and function outputs the following: PolyPhen-2: "Not Available". The alanine amino acid residue is found in multiple mammalian species, which suggests that this missense change does not adversely affect protein function. In summary, the available evidence is currently insufficient to determine the role of this variant in disease. Therefore, it has been classified as a Variant of Uncertain Significance.

NM_019066.5(MAGEL2):c.1289T>C (p.Val430Ala)

Gene: MAGEL2 (MAGE family member L2; minus strand). Cytogenetic location: 15q11.2.
Variant type: single nucleotide variant.
Coding change: c.1289T>C on transcript NM_019066.5 (MANE Select); coding-DNA position 1289, T replaced by C.
Protein change: p.Val430Ala; replaces valine 430 with alanine.
Molecular consequence: missense variant.
Genome position (GRCh38, 1-based): chr15:23,646,454, A>G on the plus strand (T>C on the coding strand, the complement: MAGEL2 is on the minus strand). VCF-style: chr15-23646454-A-G. GRCh37 (hg19) VCF-style: chr15-23891601-A-G.
Other names: short protein forms V430A.
Identifiers: ClinVar variation 1922197 (VCV001922197.5), dbSNP rs1236824584, ClinGen allele CA391334622.